The following is an entry in ClinVar:

NM_014014.5(SNRNP200):c.2716G>A (p.Val906Met)

Gene: SNRNP200 (small nuclear ribonucleoprotein U5 subunit 200; minus strand). Cytogenetic location: 2q11.2.
Variant type: single nucleotide variant.
Coding change: c.2716G>A on transcript NM_014014.5 (MANE Select); coding-DNA position 2716, G replaced by A.
Protein change: p.Val906Met; replaces valine 906 with methionine.
Molecular consequence: missense variant.
Genome position (GRCh38, 1-based): chr2:96,290,352, C>T on the plus strand (G>A on the coding strand, the complement: SNRNP200 is on the minus strand). VCF-style: chr2-96290352-C-T. GRCh37 (hg19) VCF-style: chr2-96956090-C-T.
Other names: short protein forms V906M.
Identifiers: ClinVar variation 954875 (VCV000954875.11), dbSNP rs769979612, ClinGen allele CA1778646.

ClinVar aggregate classification (germline): Uncertain significance. Review status: criteria provided, multiple submitters, no conflicts (2 of 4 stars). 4 submissions from 4 submitters: Uncertain significance (4). Last evaluated 2026-01-26.

Conditions:
Inborn genetic diseases. Identifiers: MedGen C0950123, MeSH D030342.
Retinitis pigmentosa (RP). Identifiers: Orphanet 791, MedGen C0035334, MeSH D012174, MONDO:0019200, OMIM 268000. Inheritance: Autosomal dominant, autosomal recessive and X linked inheritance.
SNRNP200-related disorder. Also called: SNRNP200-related condition.

Allele frequency attached by ClinVar (database versions not stated): gnomAD exomes 0.00001 and 0.00004; ExAC 0.00002; TOPMed 0.00003; gnomAD 0.00004.
gnomAD v4.1: 66 of 1,613,932 alleles (0.0041%); highest among the groups gnomAD compares: African/African-American, 0.008%; no homozygotes.

Submissions (4):

PreventionGenetics, part of Exact Sciences
Classification: Uncertain significance for SNRNP200-related condition. Last evaluated: 2026-01-26. Review status: criteria provided, single submitter. Criteria: ACMG Guidelines, 2015. Collection method: clinical testing. Allele origin: germline.
Comment: The SNRNP200 c.2716G>A variant is predicted to result in the amino acid substitution p.Val906Met. To our knowledge, this variant has not been reported in the literature. This variant is reported in 0.0080% of alleles in individuals of African descent in gnomAD. At this time, the clinical significance of this variant is uncertain due to the absence of conclusive functional and genetic evidence.

Labcorp Genetics (formerly Invitae), Labcorp
Classification: Uncertain significance. Last evaluated: 2025-08-29. Review status: criteria provided, single submitter. Criteria: Invitae Variant Classification Sherloc (09022015). Collection method: clinical testing. Allele origin: germline.
Comment: This sequence change replaces valine, which is neutral and non-polar, with methionine, which is neutral and non-polar, at codon 906 of the SNRNP200 protein (p.Val906Met). This variant is present in population databases (rs769979612, gnomAD 0.008%). This variant has not been reported in the literature in individuals affected with SNRNP200-related conditions. ClinVar contains an entry for this variant (Variation ID: 954875). Invitae Evidence Modeling of protein sequence and biophysical properties (such as structural, functional, and spatial information, amino acid conservation, physicochemical variation, residue mobility, and thermodynamic stability) has been performed for this missense variant. However, the output from this modeling did not meet the statistical confidence thresholds required to predict the impact of this variant on SNRNP200 protein function. In summary, the available evidence is currently insufficient to determine the role of this variant in disease. Therefore, it has been classified as a Variant of Uncertain Significance.

Ambry Genetics
Classification: Uncertain significance for Inborn genetic diseases. Last evaluated: 2023-02-28. Review status: criteria provided, single submitter. Criteria: Ambry Variant Classification Scheme 2023. Collection method: clinical testing. Allele origin: germline.

INSERM U1051, Institut des Neurosciences de Montpellier
Classification: Uncertain significance for Retinitis pigmentosa. Last evaluated: 2020-06-24. Review status: criteria provided, single submitter. Criteria: ACMG Guidelines, 2015. Collection method: research. Allele origin: inherited. Affected: yes.